The following is an entry in ClinVar:

ClinVar aggregate classification (germline): Uncertain significance. Review status: criteria provided, multiple submitters, no conflicts (2 of 4 stars). 5 submissions from 5 submitters: Uncertain significance (4). 1 of the submissions does not count toward it. Last evaluated 2025-07-22.

Conditions:
Hereditary breast ovarian cancer syndrome. Also called: Hereditary breast and ovarian cancer; Hereditary breast and ovarian cancer syndrome (HBOC); Hereditary breast and/or ovarian cancer syndrome; Breast and ovarian cancer; Hereditary breast and ovarian cancer syndrome; BRCA1- and BRCA2-Associated Hereditary Breast and Ovarian Cancer. Identifiers: Orphanet 145, MedGen C0677776, MeSH D061325, MONDO:0003582. Disease mechanism: loss of function.
Breast-ovarian cancer, familial, susceptibility to, 2 (BROVCA2). Also called: BRCA2 Hereditary Breast and Ovarian Cancer. Identifiers: Orphanet 145, MedGen C2675520, MONDO:0012933, OMIM 612555. Disease mechanism: loss of function.
Familial cancer of breast. Also called: Hereditary breast cancer; BREAST CANCER, FAMILIAL; hereditary breast carcinoma. Identifiers: Orphanet 227535, MedGen C0346153, MONDO:0016419, OMIM 114480. Disease mechanism: loss of function.

Submissions (5):

Labcorp Genetics (formerly Invitae), Labcorp
Classification: Uncertain significance for Hereditary breast ovarian cancer syndrome. Last evaluated: 2025-07-22. Review status: criteria provided, single submitter. Criteria: Invitae Variant Classification Sherloc (09022015). Collection method: clinical testing. Allele origin: germline.
Comment: This sequence change replaces glutamine, which is neutral and polar, with proline, which is neutral and non-polar, at codon 3206 of the BRCA2 protein (p.Gln3206Pro). This variant is not present in population databases (gnomAD no frequency). This variant has not been reported in the literature in individuals affected with BRCA2-related conditions. ClinVar contains an entry for this variant (Variation ID: 38256). Invitae Evidence Modeling of protein sequence and biophysical properties (such as structural, functional, and spatial information, amino acid conservation, physicochemical variation, residue mobility, and thermodynamic stability) indicates that this missense variant is not expected to disrupt BRCA2 protein function with a negative predictive value of 95%. In summary, the available evidence is currently insufficient to determine the role of this variant in disease. Therefore, it has been classified as a Variant of Uncertain Significance.

Quest Diagnostics Nichols Institute San Juan Capistrano
Classification: Uncertain significance. Last evaluated: 2024-05-06. Review status: criteria provided, single submitter. Criteria: Quest Diagnostics criteria. Collection method: clinical testing. Allele origin: unknown.
Comment: The BRCA2 c.9617A>C (p.Gln3206Pro) variant has not been reported in individuals with BRCA2-related conditions in the published literature. However, it has also been described to be located in a region of the BRCA2 gene that is tolerant to missense sequence changes (PMID: 31911673 (2020)). It also has not been reported in large, multi-ethnic general populations (Genome Aggregation Database). Analysis of this variant using bioinformatics tools for the prediction of the effect of amino acid changes on protein structure and function yielded predictions that this variant is benign. Based on the available information, we are unable to determine the clinical significance of this variant.

Baylor Genetics
Classification: Uncertain significance for Familial cancer of breast. Last evaluated: 2024-03-05. Review status: criteria provided, single submitter. Criteria: ACMG Guidelines, 2015. Collection method: clinical testing. Allele origin: unknown.

Women's Health and Genetics/Laboratory Corporation of America, LabCorp
Classification: Uncertain significance. Last evaluated: 2023-04-27. Review status: criteria provided, single submitter. Criteria: LabCorp Variant Classification Summary - May 2015. Collection method: clinical testing. Allele origin: germline.

Sharing Clinical Reports Project (SCRP)
Classification: Uncertain significance for Breast-ovarian cancer, familial 2. Last evaluated: 2008-01-17. Review status: no assertion criteria provided. Collection method: clinical testing. Allele origin: germline. Not counted in ClinVar's aggregate classification.

Literature cited by the submitters: PubMed 31911673 (cited by Quest Diagnostics Nichols Institute San Juan Capistrano).

NM_000059.4(BRCA2):c.9617A>C (p.Gln3206Pro)

Gene: BRCA2 (BRCA2 DNA repair associated; plus strand). Cytogenetic location: 13q13.1.
Variant type: single nucleotide variant.
Coding change: c.9617A>C on transcript NM_000059.4 (MANE Select); coding-DNA position 9617, A replaced by C.
Protein change: p.Gln3206Pro; replaces glutamine 3206 with proline.
Molecular consequence: missense variant. On other transcripts: non-coding transcript variant (1).
Genome position (GRCh38, 1-based): chr13:32,397,013, A>C. VCF-style: chr13-32397013-A-C. GRCh37 (hg19) VCF-style: chr13-32971150-A-C.
Other names: Q3206P; c.9521A>C, p.Gln3174Pro (NM_001406719.1); c.9566A>C, p.Gln3189Pro (NM_001406720.1); c.4685A>C, p.Gln1562Pro (NM_001406721.1); c.3200A>C, p.Gln1067Pro (NM_001406722.1); short protein forms Q1067P, Q1562P, Q3174P, Q3189P.
Identifiers: ClinVar variation 38256 (VCV000038256.17), dbSNP rs397507433, ClinGen allele CA026237.